The following is an entry in ClinVar:

NM_194248.3(OTOF):c.222C>G (p.Ser74Arg)

Gene: OTOF (otoferlin; minus strand). Cytogenetic location: 2p23.3.
Variant type: single nucleotide variant.
Coding change: c.222C>G on transcript NM_194248.3 (MANE Select); coding-DNA position 222, C replaced by G.
Protein change: p.Ser74Arg; replaces serine 74 with arginine.
Molecular consequence: missense variant.
Genome position (GRCh38, 1-based): chr2:26,527,837, G>C on the plus strand (C>G on the coding strand, the complement: OTOF is on the minus strand). VCF-style: chr2-26527837-G-C. GRCh37 (hg19) VCF-style: chr2-26750705-G-C.
Other names: c.222C>G, p.Ser74Arg (NM_001287489.2); short protein forms S74R.
Identifiers: ClinVar variation 1462951 (VCV001462951.9), dbSNP rs764474318, ClinGen allele CA1564768.

ClinVar aggregate classification (germline): Conflicting classifications of pathogenicity. Review status: criteria provided, conflicting classifications (1 of 4 stars). 3 submissions from 3 submitters: Uncertain significance (2); Likely benign (1). Last evaluated 2026-06-05.

Allele frequency attached by ClinVar (database versions not stated): gnomAD 0.00001; gnomAD exomes 0.00001 and 0.00007; TOPMed 0.00003; ExAC 0.00006.
gnomAD v4.1: 17 of 1,611,416 alleles (0.0011%); highest among the groups gnomAD compares: Admixed American, 0.028%; no homozygotes.

Submissions (3):

GeneDx
Classification: Uncertain significance. Last evaluated: 2026-06-05. Review status: criteria provided, single submitter. Criteria: GeneDx Variant Classification Process June 2021. Collection method: clinical testing. Allele origin: germline.
Comment: Identified in the heterozygous state in a patient with sensorineural hearing loss in published literature (PMID: 34515852); In silico analysis suggests that this missense variant does not alter protein structure/function; This variant is associated with the following publications: (PMID: 34515852)

Labcorp Genetics (formerly Invitae), Labcorp
Classification: Likely benign. Last evaluated: 2024-09-19. Review status: criteria provided, single submitter. Criteria: Invitae Variant Classification Sherloc (09022015). Collection method: clinical testing. Allele origin: germline.

Blueprint Genetics
Classification: Uncertain significance. Last evaluated: 2022-06-13. Review status: criteria provided, single submitter. Criteria: ACMG Guidelines, 2015. Collection method: clinical testing. Allele origin: germline.